The following is an entry in ClinVar:

ClinVar aggregate classification (germline): Likely pathogenic (1 of 4 stars; one submission).

Conditions:
Fanconi anemia (FA). Also called: Fanconi's anemia. Identifiers: Orphanet 84, MedGen C0015625, MeSH D005199, MONDO:0019391.

Submission:

Labcorp Genetics (formerly Invitae), Labcorp
Classification: Likely pathogenic for Fanconi anemia. Last evaluated: 2021-11-18. Review status: criteria provided, single submitter. Criteria: Invitae Variant Classification Sherloc (09022015). Collection method: clinical testing. Allele origin: germline.
Comment: Algorithms developed to predict the effect of sequence changes on RNA splicing suggest that this variant may disrupt the consensus splice site. This variant has not been reported in the literature in individuals affected with FANCA-related conditions. In summary, the currently available evidence indicates that the variant is pathogenic, but additional data are needed to prove that conclusively. Therefore, this variant has been classified as Likely Pathogenic. This sequence change affects a donor splice site in intron 5 of the FANCA gene. It is expected to disrupt RNA splicing. Variants that disrupt the donor or acceptor splice site typically lead to a loss of protein function (PMID: 16199547), and loss-of-function variants in FANCA are known to be pathogenic (PMID: 19367192). This variant is not present in population databases (gnomAD no frequency).

Literature cited by the submitters: PubMed 16199547; PubMed 19367192.

NM_000135.4(FANCA):c.522+2T>C

Gene: FANCA (FA complementation group A; minus strand). Cytogenetic location: 16q24.3.
Variant type: single nucleotide variant.
Coding change: c.522+2T>C on transcript NM_000135.4 (MANE Select); the canonical splice donor site of the intron after coding-DNA position 522, T replaced by C.
Molecular consequence: splice donor variant. On other transcripts: intron variant (1).
Genome position (GRCh38, 1-based): chr16:89,810,705, A>G on the plus strand (T>C on the coding strand, the complement: FANCA is on the minus strand). VCF-style: chr16-89810705-A-G. GRCh37 (hg19) VCF-style: chr16-89877113-A-G.
Other names: c.522+2T>C (NM_001286167.3, NM_001018112.3); c.426+224T>C (NM_001351830.2).
Identifiers: ClinVar variation 1483165 (VCV001483165.6), dbSNP rs2143677013, ClinGen allele CA397480628.